The following is an entry in ClinVar:

NM_016247.4(IMPG2):c.346G>T (p.Ala116Ser)

Gene: IMPG2 (interphotoreceptor matrix proteoglycan 2; minus strand). Cytogenetic location: 3q12.3.
Variant type: single nucleotide variant.
Coding change: c.346G>T on transcript NM_016247.4 (MANE Select); coding-DNA position 346, G replaced by T.
Protein change: p.Ala116Ser; replaces alanine 116 with serine.
Molecular consequence: missense variant.
Genome position (GRCh38, 1-based): chr3:101,304,301, C>A on the plus strand (G>T on the coding strand, the complement: IMPG2 is on the minus strand). VCF-style: chr3-101304301-C-A. GRCh37 (hg19) VCF-style: chr3-101023145-C-A.
Other names: short protein forms A116S.
Identifiers: ClinVar variation 1060510 (VCV001060510.9), dbSNP rs771406795, ClinGen allele CA2519495.

ClinVar aggregate classification (germline): Uncertain significance. Review status: criteria provided, multiple submitters, no conflicts (2 of 4 stars). 2 submissions from 2 submitters: Uncertain significance (2). Last evaluated 2022-08-16.

Allele frequency attached by ClinVar (database versions not stated): gnomAD exomes below 0.00001; ExAC 0.00001; TOPMed 0.00001.

Submissions (2):

Labcorp Genetics (formerly Invitae), Labcorp
Classification: Uncertain significance. Last evaluated: 2022-08-16. Review status: criteria provided, single submitter. Criteria: Invitae Variant Classification Sherloc (09022015). Collection method: clinical testing. Allele origin: germline.
Comment: This variant is present in population databases (rs771406795, gnomAD 0.006%). This variant has not been reported in the literature in individuals affected with IMPG2-related conditions. ClinVar contains an entry for this variant (Variation ID: 1060510). Algorithms developed to predict the effect of missense changes on protein structure and function (SIFT, PolyPhen-2, Align-GVGD) all suggest that this variant is likely to be tolerated. In summary, the available evidence is currently insufficient to determine the role of this variant in disease. Therefore, it has been classified as a Variant of Uncertain Significance. This sequence change replaces alanine, which is neutral and non-polar, with serine, which is neutral and polar, at codon 116 of the IMPG2 protein (p.Ala116Ser).

Blueprint Genetics
Classification: Uncertain significance. Last evaluated: 2020-07-21. Review status: criteria provided, single submitter. Criteria: ACMG Guidelines, 2015. Collection method: clinical testing. Allele origin: germline.